The following is an entry in ClinVar:

NM_015272.5(RPGRIP1L):c.1721A>G (p.Tyr574Cys)

Gene: RPGRIP1L (RPGRIP1 like; minus strand). Cytogenetic location: 16q12.2.
Variant type: single nucleotide variant.
Coding change: c.1721A>G on transcript NM_015272.5 (MANE Select); coding-DNA position 1721, A replaced by G.
Protein change: p.Tyr574Cys; replaces tyrosine 574 with cysteine.
Molecular consequence: missense variant.
Genome position (GRCh38, 1-based): chr16:53,652,966, T>C on the plus strand (A>G on the coding strand, the complement: RPGRIP1L is on the minus strand). VCF-style: chr16-53652966-T-C. GRCh37 (hg19) VCF-style: chr16-53686878-T-C.
Other names: c.1721A>G, p.Tyr574Cys (NM_001127897.4, NM_001308334.3, NM_001330538.2); c.1721A>G (NM_015272.4); short protein forms Y574C.
Identifiers: ClinVar variation 1385305 (VCV001385305.8), dbSNP rs766404857, ClinGen allele CA8057712.

ClinVar aggregate classification (germline): Uncertain significance. Review status: criteria provided, multiple submitters, no conflicts (2 of 4 stars). 4 submissions from 4 submitters: Uncertain significance (3). 1 of the submissions does not count toward it. Last evaluated 2024-05-11.

Conditions:
Joubert syndrome 7 (JBTS7). Identifiers: Orphanet 220497, MedGen C1969053, MONDO:0012694, OMIM 611560.
COACH syndrome 3. Identifiers: MedGen C5436841, MONDO:0030862, OMIM 619113.
Meckel syndrome, type 5 (MKS5). Identifiers: Orphanet 564, MedGen C1969052, MONDO:0012695, OMIM 611561.
RPGRIP1L-related disorder. Also called: RPGRIP1L-related condition; RPGRIP1L-related disorders. Identifiers: MedGen CN239416.
Joubert syndrome. Also called: JOUBERT-BOLTSHAUSER SYNDROME; Familial aplasia of the vermis. Identifiers: Orphanet 475, MedGen C5979921, MONDO:0018772.
Meckel-Gruber syndrome. Also called: GRUBER SYNDROME; DYSENCEPHALIA SPLANCHNOCYSTICA; Dysencephalia splachnocystica. Identifiers: Orphanet 564, MedGen C0265215, MONDO:0018921.

Allele frequency attached by ClinVar (database versions not stated): gnomAD exomes 0.00001 and 0.00002; ExAC 0.00002; gnomAD 0.00002 and 0.00003; TOPMed 0.00006.

Submissions (4):

Fulgent Genetics
Classification: Uncertain significance for Joubert syndrome 7; Meckel syndrome, type 5; COACH syndrome 3. Last evaluated: 2024-05-11. Review status: criteria provided, single submitter. Criteria: ACMG Guidelines, 2015. Collection method: clinical testing. Allele origin: germline.

Labcorp Genetics (formerly Invitae), Labcorp
Classification: Uncertain significance for Joubert syndrome; Meckel-Gruber syndrome. Last evaluated: 2022-08-23. Review status: criteria provided, single submitter. Criteria: Invitae Variant Classification Sherloc (09022015). Collection method: clinical testing. Allele origin: germline.
Comment: This sequence change replaces tyrosine, which is neutral and polar, with cysteine, which is neutral and slightly polar, at codon 574 of the RPGRIP1L protein (p.Tyr574Cys). This variant is present in population databases (rs766404857, gnomAD 0.01%). This variant has not been reported in the literature in individuals affected with RPGRIP1L-related conditions. ClinVar contains an entry for this variant (Variation ID: 1385305). Algorithms developed to predict the effect of missense changes on protein structure and function (SIFT, PolyPhen-2, Align-GVGD) all suggest that this variant is likely to be disruptive. In summary, the available evidence is currently insufficient to determine the role of this variant in disease. Therefore, it has been classified as a Variant of Uncertain Significance.

GeneDx
Classification: Uncertain significance. Last evaluated: 2022-04-05. Review status: criteria provided, single submitter. Criteria: GeneDx Variant Classification Process June 2021. Collection method: clinical testing. Allele origin: germline. Affected: yes.
Comment: Not observed at significant frequency in large population cohorts (gnomAD); In silico analysis supports that this missense variant has a deleterious effect on protein structure/function; Has not been previously published as pathogenic or benign to our knowledge

PreventionGenetics, part of Exact Sciences
Classification: Uncertain significance for RPGRIP1L-related condition. Last evaluated: 2024-02-22. Review status: no assertion criteria provided. Collection method: clinical testing. Allele origin: germline. Not counted in ClinVar's aggregate classification.
Comment: The RPGRIP1L c.1721A>G variant is predicted to result in the amino acid substitution p.Tyr574Cys. To our knowledge, this variant has not been reported in the literature. This variant is reported in 0.012% of alleles in individuals of African descent in gnomAD. At this time, the clinical significance of this variant is uncertain due to the absence of conclusive functional and genetic evidence.